The following is an entry in ClinVar:

ClinVar aggregate classification (germline): Uncertain significance (1 of 4 stars; one submission).

Conditions:
Hereditary cancer-predisposing syndrome. Also called: Hereditary Cancer Syndrome; Tumor predisposition; Hereditary neoplastic syndrome; Neoplastic Syndromes, Hereditary. Identifiers: Orphanet 140162, MedGen C0027672, MeSH D009386, MONDO:0015356.

Submission:

Ambry Genetics
Classification: Uncertain significance for Hereditary cancer-predisposing syndrome. Last evaluated: 2024-06-24. Review status: criteria provided, single submitter. Criteria: Ambry Variant Classification Scheme 2023. Collection method: clinical testing. Allele origin: germline.
Comment: The p.K181T variant (also known as c.542A>C), located in coding exon 6 of the BMPR1A gene, results from an A to C substitution at nucleotide position 542. The lysine at codon 181 is replaced by threonine, an amino acid with similar properties. This amino acid position is conserved. In addition, the in silico prediction for this alteration is inconclusive. Based on the available evidence, the clinical significance of this variant remains unclear.

NM_004329.3(BMPR1A):c.542A>C (p.Lys181Thr)

Gene: BMPR1A (bone morphogenetic protein receptor type 1A; plus strand). Cytogenetic location: 10q23.2.
Variant type: single nucleotide variant.
Coding change: c.542A>C on transcript NM_004329.3 (MANE Select); coding-DNA position 542, A replaced by C.
Protein change: p.Lys181Thr; replaces lysine 181 with threonine.
Molecular consequence: missense variant. On other transcripts: non-coding transcript variant (3), intron variant (1).
Genome position (GRCh38, 1-based): chr10:86,912,251, A>C. VCF-style: chr10-86912251-A-C. GRCh37 (hg19) VCF-style: chr10-88672008-A-C.
Other names: c.617A>C, p.Lys206Thr (NM_001406559.1); c.590A>C, p.Lys197Thr (NM_001406560.1); c.542A>C, p.Lys181Thr (NM_001406561.1, NM_001406562.1, NM_001406563.1 and 20 more transcripts); c.458A>C, p.Lys153Thr (NM_001406584.1, NM_001406585.1, NM_001406586.1 and 2 more transcripts); c.334-4883A>C (NM_001406589.1); short protein forms K153T, K206T, K181T, K197T.
Identifiers: ClinVar variation 3261236 (VCV003261236.1).
Genomic context (GRCh38, chr10:86,912,251, plus strand): 5'-TTTATAGTTTTTCATTTTTAATGTAGATTGTTTTCTGCTTTTTTAAAAGACATTATTGCA[A>C]GAGCATCTCAAGCAGACGTCGTTACAATCGTGATTTGGAACAGGATGAAGCATTTATTCC-3'
Protein context (NP_004320.2, residues 171-191): SSCFCYKHYC[Lys181Thr]SISSRRRYNR